The following is an entry in ClinVar:

ClinVar aggregate classification (germline): Uncertain significance. Review status: criteria provided, multiple submitters, no conflicts (2 of 4 stars). 2 submissions from 2 submitters: Uncertain significance (2). Last evaluated 2024-11-25.

Allele frequency attached by ClinVar (database versions not stated): gnomAD exomes below 0.00001 and 0.00001; ExAC 0.00002; gnomAD 0.00005 and 0.00006; TOPMed 0.00008.

Submissions (2):

Ambry Genetics
Classification: Uncertain significance. Last evaluated: 2024-11-25. Review status: criteria provided, single submitter. Criteria: Ambry Variant Classification Scheme 2023. Collection method: clinical testing. Allele origin: germline.

Labcorp Genetics (formerly Invitae), Labcorp
Classification: Uncertain significance. Last evaluated: 2024-02-17. Review status: criteria provided, single submitter. Criteria: Invitae Variant Classification Sherloc (09022015). Collection method: clinical testing. Allele origin: germline.
Comment: This sequence change replaces threonine, which is neutral and polar, with alanine, which is neutral and non-polar, at codon 362 of the MMP9 protein (p.Thr362Ala). This variant is present in population databases (rs765350061, gnomAD 0.03%). This variant has not been reported in the literature in individuals affected with MMP9-related conditions. ClinVar contains an entry for this variant (Variation ID: 1390201). Advanced modeling of protein sequence and biophysical properties (such as structural, functional, and spatial information, amino acid conservation, physicochemical variation, residue mobility, and thermodynamic stability) performed at Invitae indicates that this missense variant is expected to disrupt MMP9 protein function with a positive predictive value of 80%. In summary, the available evidence is currently insufficient to determine the role of this variant in disease. Therefore, it has been classified as a Variant of Uncertain Significance.

NM_004994.3(MMP9):c.1084A>G (p.Thr362Ala)

Gene: MMP9 (matrix metallopeptidase 9; plus strand). Cytogenetic location: 20q13.12.
Variant type: single nucleotide variant.
Coding change: c.1084A>G on transcript NM_004994.3 (MANE Select); coding-DNA position 1084, A replaced by G.
Protein change: p.Thr362Ala; replaces threonine 362 with alanine.
Molecular consequence: missense variant.
Genome position (GRCh38, 1-based): chr20:46,012,223, A>G. VCF-style: chr20-46012223-A-G. GRCh37 (hg19) VCF-style: chr20-44640862-A-G.
Other names: c.1084A>G (NM_004994.2); short protein forms T362A.
Identifiers: ClinVar variation 1390201 (VCV001390201.9), dbSNP rs765350061, ClinGen allele CA9886619.
Genomic context (GRCh38, chr20:46,012,223, plus strand): 5'-TCGGCGGGGGAGCTGTGCGTCTTCCCCTTCACTTTCCTGGGTAAGGAGTACTCGACCTGT[A>G]CCAGCGAGGGCCGCGGAGATGGGCGCCTCTGGTGCGCTACCACCTCGAACTTTGACAGCG-3'
Protein context (NP_004985.2, residues 352-372): TFLGKEYSTC[Thr362Ala]SEGRGDGRLW